The following is an entry in ClinVar:

NM_001267550.2(TTN):c.2368C>T (p.Gln790Ter)

Gene: TTN (titin; minus strand). Cytogenetic location: 2q31.2.
Variant type: single nucleotide variant.
Coding change: c.2368C>T on transcript NM_001267550.2 (MANE Select); coding-DNA position 2368, C replaced by T.
Protein change: p.Gln790Ter; replaces glutamine 790 with a stop codon.
Molecular consequence: nonsense.
Genome position (GRCh38, 1-based): chr2:178,785,850, G>A on the plus strand (C>T on the coding strand, the complement: TTN is on the minus strand). VCF-style: chr2-178785850-G-A. GRCh37 (hg19) VCF-style: chr2-179650577-G-A.
Other names: c.2368C>T, p.Gln790Ter (NM_001256850.1, NM_133378.4, NM_133379.5); c.2230C>T, p.Gln744Ter (NM_003319.4, NM_133432.3, NM_133437.4); short protein forms Q744*, Q790*.
Identifiers: ClinVar variation 4866193 (VCV004866193.1).
Genomic context (GRCh38, chr2:178,785,850, plus strand): 5'-CAGCAGTGAGGCTTGCTTTACCATGAACAAGGTGAAAAATCAGCAGGTATAGACTCACCT[G>A]TGATGATATGTGCATTCCCTTTTGATCAGTAGTTTTGATATGAGTCTCAGAAGGAGCCTG-3'

ClinVar aggregate classification (germline): Likely pathogenic (1 of 4 stars; one submission).

Conditions:
Cardiovascular phenotype. Identifiers: MedGen CN230736.

gnomAD v4.1: 1 of 1,614,158 alleles (0.000062%); no homozygotes.

Submission:

Ambry Genetics
Classification: Likely pathogenic for Cardiovascular phenotype. Last evaluated: 2026-04-07. Review status: criteria provided, single submitter. Criteria: Ambry Variant Classification Scheme 2023. Collection method: clinical testing. Allele origin: germline.
Comment: The p.Q744* variant (also known as c.2230C>T), located in coding exon 12 of the TTN gene, results from a C to T substitution at nucleotide position 2230. This changes the amino acid from a glutamine to a stop codon within coding exon 12. This exon is located in the Z-disk region of the N2-B isoform of the titin protein and is constitutively expressed in TTN transcripts (percent spliced in or PSI 100%). This variant is considered to be rare based on population cohorts in the Genome Aggregation Database (gnomAD). This variant is expected to result in loss of function by premature protein truncation or nonsense-mediated mRNA decay. While truncating variants in TTN are present in 1-3% of the general population, truncating variants in the A-band are the most common cause of dilated cardiomyopathy (Herman DS et al. N. Engl. J. Med., 2012 Feb;366:619-28; Roberts AM et al. Sci Transl Med, 2015 Jan;7:270ra6). TTN truncating variants encoded in constitutive exons (PSI >90%) have been found to be significantly associated with DCM regardless of their position in titin (Schafer S et al. Nat. Genet., 2017 01;49:46-53; Akhtar MM et al. Circ Heart Fail, 2020 Oct;13:e006832; Massier M et al. Clin Genet, 2025 Jan). Based on the majority of available evidence to date, this variant is likely to be pathogenic.